The following is an entry in ClinVar:

ClinVar aggregate classification (germline): Conflicting classifications of pathogenicity. Review status: criteria provided, conflicting classifications (1 of 4 stars). 3 submissions from 3 submitters: Uncertain significance (2); Likely benign (1). Last evaluated 2023-05-01.

Allele frequency attached by ClinVar (database versions not stated): 1000 Genomes Project 30x 0.00016; 1000 Genomes Project 0.00020; TOPMed 0.00044; gnomAD 0.00047 and 0.00048; gnomAD exomes 0.00053 and 0.00062; ExAC 0.00059; ESP Exome Variant Server 0.00077.
gnomAD v4.1: 978 of 1,612,432 alleles (0.061%); highest among the groups gnomAD compares: Non-Finnish European, 0.076%; 2 homozygotes.

Submissions (3):

CeGaT Center for Human Genetics Tuebingen
Classification: Likely benign. Last evaluated: 2023-05-01. Review status: criteria provided, single submitter. Criteria: CeGaT Center For Human Genetics Tuebingen Variant Classification Criteria Version 2. Collection method: clinical testing. Allele origin: germline. Affected: yes. Observed: 1 variant allele.
Comment: SMPD4: BP4, BP7

AiLife Diagnostics
Classification: Uncertain significance. Last evaluated: 2020-06-05. Review status: criteria provided, single submitter. Criteria: ACMG Guidelines, 2015. Collection method: clinical testing. Allele origin: germline. Affected: yes. Observed: 1 variant allele.

Breakthrough Genomics
Classification: Uncertain significance. Review status: criteria provided, single submitter. Criteria: ACMG Guidelines, 2015. Collection method: not provided. Allele origin: germline. Inheritance: Autosomal recessive inheritance. Affected: yes.

NM_017951.5(SMPD4):c.570G>A (p.Arg190=)

Gene: SMPD4 (sphingomyelin phosphodiesterase 4; minus strand). Cytogenetic location: 2q21.1.
Variant type: single nucleotide variant.
Coding change: c.570G>A on transcript NM_017951.5 (MANE Select); coding-DNA position 570, G replaced by A.
Protein change: p.Arg190=; no amino-acid change (arginine 190 retained).
Molecular consequence: synonymous variant. On other transcripts: non-coding transcript variant (2).
Genome position (GRCh38, 1-based): chr2:130,172,438, C>T on the plus strand (G>A on the coding strand, the complement: SMPD4 is on the minus strand). VCF-style: chr2-130172438-C-T. GRCh37 (hg19) VCF-style: chr2-130930011-C-T.
Other names: c.468G>A, p.Arg156= (NM_001171083.2); c.687G>A, p.Arg229= (NM_017751.4).
Identifiers: ClinVar variation 1678247 (VCV001678247.26), dbSNP rs143450222, ClinGen allele CA1870141.